The following is an entry in ClinVar:

ClinVar aggregate classification (germline): Uncertain significance. Review status: criteria provided, multiple submitters, no conflicts (2 of 4 stars). 2 submissions from 2 submitters: Uncertain significance (2). Last evaluated 2025-11-05.

Conditions:
Inborn genetic diseases. Identifiers: MedGen C0950123, MeSH D030342.
Bethlem myopathy 1A. Also called: Bethlem myopathy 1; MYOPATHY, BENIGN CONGENITAL, WITH CONTRACTURES; Bethlem Muscular Dystrophy. Identifiers: Orphanet 610, MedGen CN029274, MONDO:0024530, OMIM 158810.

Allele frequency attached by ClinVar (database versions not stated): TOPMed 0.00009; gnomAD 0.00012 and 0.00013; 1000 Genomes Project 30x 0.00016; 1000 Genomes Project 0.00020; ESP Exome Variant Server 0.00023.
gnomAD v4.1: 41 of 1,613,862 alleles (0.0025%); highest among the groups gnomAD compares: African/African-American, 0.036%; no homozygotes.

Submissions (2):

Ambry Genetics
Classification: Uncertain significance for Inborn genetic diseases. Last evaluated: 2025-11-05. Review status: criteria provided, single submitter. Criteria: Ambry Variant Classification Scheme 2023. Collection method: clinical testing. Allele origin: germline.

Labcorp Genetics (formerly Invitae), Labcorp
Classification: Uncertain significance for Bethlem myopathy 1A. Last evaluated: 2025-09-15. Review status: criteria provided, single submitter. Criteria: Invitae Variant Classification Sherloc (09022015). Collection method: clinical testing. Allele origin: germline.
Comment: This sequence change replaces isoleucine, which is neutral and non-polar, with asparagine, which is neutral and polar, at codon 2557 of the COL6A3 protein (p.Ile2557Asn). This variant is present in population databases (rs146872525, gnomAD 0.03%). This variant has not been reported in the literature in individuals affected with COL6A3-related conditions. ClinVar contains an entry for this variant (Variation ID: 577635). Experimental studies and prediction algorithms are not available or were not evaluated, and the functional significance of this variant is currently unknown. Algorithms developed to predict the effect of sequence changes on RNA splicing suggest that this variant may disrupt the consensus splice site. In summary, the available evidence is currently insufficient to determine the role of this variant in disease. Therefore, it has been classified as a Variant of Uncertain Significance.

NM_004369.4(COL6A3):c.7670T>A (p.Ile2557Asn)

Gene: COL6A3 (collagen type VI alpha 3 chain; minus strand). Cytogenetic location: 2q37.3.
Variant type: single nucleotide variant.
Coding change: c.7670T>A on transcript NM_004369.4 (MANE Select); coding-DNA position 7670, T replaced by A.
Protein change: p.Ile2557Asn; replaces isoleucine 2557 with asparagine.
Molecular consequence: missense variant.
Genome position (GRCh38, 1-based): chr2:237,342,160, A>T on the plus strand (T>A on the coding strand, the complement: COL6A3 is on the minus strand). VCF-style: chr2-237342160-A-T. GRCh37 (hg19) VCF-style: chr2-238250803-A-T.
Other names: c.5849T>A, p.Ile1950Asn (NM_057166.5); c.7052T>A, p.Ile2351Asn (NM_057167.4); short protein forms I2557N, I1950N, I2351N.
Identifiers: ClinVar variation 577635 (VCV000577635.12), dbSNP rs146872525, ClinGen allele CA2187730.